The following is an entry in ClinVar:

ClinVar aggregate classification (germline): Likely pathogenic. Review status: criteria provided, multiple submitters, no conflicts (2 of 4 stars). 3 submissions from 3 submitters: Likely pathogenic (3). Last evaluated 2026-05-19.

Conditions:
Cardiovascular phenotype. Identifiers: MedGen CN230736.
Primary familial dilated cardiomyopathy (FDC). Also called: Familial dilated cardiomyopathy; Hypokinetic dilated cardiomyopathy, familial. Identifiers: Orphanet 217607, MedGen C0340427, MONDO:0016333.
Dilated cardiomyopathy 1G (CMD1G). Identifiers: Orphanet 154, MedGen C1858763, MONDO:0011400, OMIM 604145.
Autosomal recessive limb-girdle muscular dystrophy type 2J (LGMDR10). Also called: Limb-girdle muscular dystrophy, type 2J; MUSCULAR DYSTROPHY, LIMB-GIRDLE, AUTOSOMAL RECESSIVE 10. Identifiers: Orphanet 140922, MedGen C1837342, MONDO:0012127, OMIM 608807.

Allele frequency attached by ClinVar (database versions not stated): gnomAD exomes below 0.00001; TOPMed below 0.00001; gnomAD 0.00001.

Submissions (3):

Women's Health and Genetics/Laboratory Corporation of America, LabCorp
Classification: Likely pathogenic for Primary familial dilated cardiomyopathy. Last evaluated: 2026-05-19. Review status: criteria provided, single submitter. Criteria: LabCorp Variant Classification Summary - May 2015. Collection method: clinical testing. Allele origin: germline.
Comment: Variant summary: TTN c.98410_98411dupTT (p.Leu32804PhefsX34), also known as NM_001267550:c.106114_106115dupTT (p.Leu35372PhefsX34), results in a premature termination codon, predicted to cause a truncation of the encoded protein or absence of the protein due to nonsense mediated decay, which are commonly known mechanisms for disease. Loss of function variants in all TTN bands are strongly associated with a spectrum of autosomal recessive titinopathies when exon expression (proportion spliced in, PSI, 1=complete expression) in skeletal muscle is >0.1 (PMID: 36977548, 39198997, 29598826, 32778822, 29691892, 33449170, 36977548, internal data). In contrast, loss of function variants in all TTN bands are only strongly associated with autosomal dominant TTN-related cardiomyopathies if located in exons constitutively expressed (PSI >0.9) in cardiac muscle, excluding extreme C-terminal exons 359-363 (PMID: 25589632, 31216868, 32964742, 34662387, 27869827, Shetty et al., Nat Cardiovasc Res 2024,, internal data). This variant has a maximum skeletal muscle PSI of 0.942 and a maximum cardiac muscle PSI of 1.000. The variant was absent in 248974 control chromosomes. c.98410_98411dupTT has been observed in individual(s) affected with cardiomyopathy, without strong evidence for causality (example, Silver_2025, Goli_2021). These report(s) do not provide unequivocal conclusions about association of the variant with disease. To our knowledge, no experimental evidence demonstrating an impact on protein function has been reported. The following publications have been ascertained in the context of this evaluation (PMID: 39454940, 33874732). ClinVar contains an entry for this variant (Variation ID: 651058). Based on the evidence outlined above, the variant was classified as likely pathogenic for both autosomal dominant and autosomal recessive TTN-related conditions.

Labcorp Genetics (formerly Invitae), Labcorp
Classification: Likely pathogenic for Dilated cardiomyopathy 1G; Autosomal recessive limb-girdle muscular dystrophy type 2J. Last evaluated: 2025-11-04. Review status: criteria provided, single submitter. Criteria: Invitae Variant Classification Sherloc (09022015). Collection method: clinical testing. Allele origin: germline.
Comment: This sequence change creates a premature translational stop signal (p.Leu35372Phefs*34) in the TTN gene. While this is not anticipated to result in nonsense mediated decay, it is expected to create a truncated TTN protein. This variant is not present in population databases (gnomAD no frequency). This premature translational stop signal has been observed in individual(s) with dilated cardiomyopathy and/or peripartum cardiomyopathy (PMID: 26735901; internal data). ClinVar contains an entry for this variant (Variation ID: 651058). This variant is located in the M band of TTN (PMID: 25589632). Truncating variants in this region have been previously reported in individuals affected with autosomal dominant or autosomal recessive myopathy and muscular dystrophy (PMID: 18948003, 23975875, 24395473). Truncating variants in this region have also been identified in individuals affected with autosomal dominant dilated cardiomyopathy and/or cardio-related conditions (PMID: 27869827, 32964742, internal data). In summary, the currently available evidence indicates that the variant is pathogenic, but additional data are needed to prove that conclusively. Therefore, this variant has been classified as Likely Pathogenic.

Ambry Genetics
Classification: Likely pathogenic for Cardiovascular phenotype. Last evaluated: 2023-01-04. Review status: criteria provided, single submitter. Criteria: Ambry Variant Classification Scheme 2023. Collection method: clinical testing. Allele origin: germline.
Comment: The c.78919_78920dupTT variant, located in coding exon 185 of the TTN gene, results from a duplication of TT at nucleotide position 78919, causing a translational frameshift with a predicted alternate stop codon (p.L26307Ffs*34). This exon is located in the M-band region of the N2-B isoform of the titin protein and is constitutively expressed in TTN transcripts (percent spliced in or PSI 100%). This variant (referred to as c.106114_106115dupTT, p.Leu35372fs) has been detected in a peripartum cardiomyopathy cohort; however, details were limited (Goli R et al. Circulation, 2021 May;143:1852-1862). This variant is considered to be rare based on population cohorts in the Genome Aggregation Database (gnomAD). This alteration is expected to result in loss of function by premature protein truncation or nonsense-mediated mRNA decay. While truncating variants in TTN are present in 1-3% of the general population, truncating variants in the M-band have been reported in association with autosomal recessive titinopathies, primarily presenting with skeletal myopathy phenotypes (Ceyhan-Birsoy O et al. Neurology. 2013 Oct 1;81(14):1205-14; De Cid R et al. Neurology. 2015;85(24):2126-35). In addition, regardless of their position, TTN truncating variants encoded in constitutive exons (PSI >90%) have been found to be significantly associated with dilated cardiomyopathy (DCM), though truncating variants in the A-band are the most common cause of DCM (Herman DS et al. N. Engl. J. Med., 2012 Feb;366:619-28; Roberts AM et al. Sci Transl Med, 2015 Jan;7:270ra6; Schafer S et al. Nat. Genet., 2017 01;49:46-53). Based on the majority of available evidence to date, this variant is likely to be pathogenic in association with autosomal recessive titinopathy; however, the clinical significance of this alteration with respect to cardiomyopathy remains unclear.

Literature cited by the submitters: PubMed 33874732 (cited by Women's Health and Genetics/Laboratory Corporation of America, LabCorp and Ambry Genetics); PubMed 39454940 (cited by Women's Health and Genetics/Laboratory Corporation of America, LabCorp); PubMed 26735901 (cited by Labcorp Genetics (formerly Invitae), Labcorp); PubMed 25589632 (cited by Labcorp Genetics (formerly Invitae), Labcorp); PubMed 18948003 (cited by Labcorp Genetics (formerly Invitae), Labcorp); PubMed 23975875 (cited by Labcorp Genetics (formerly Invitae), Labcorp); PubMed 24395473 (cited by Labcorp Genetics (formerly Invitae), Labcorp); PubMed 27869827 (cited by Labcorp Genetics (formerly Invitae), Labcorp); PubMed 32964742 (cited by Labcorp Genetics (formerly Invitae), Labcorp).

NM_001267550.2(TTN):c.106114_106115dup (p.Leu35372fs)

Genes: TTN-AS1 (TTN antisense RNA 1; plus strand), TTN (titin; minus strand), LOC129935182 (ATAC-STARR-seq lymphoblastoid active region 16807; plus strand). Cytogenetic location: 2q31.2.
Variant type: Duplication.
Coding change: c.106114_106115dup on transcript NM_001267550.2 (MANE Select); coding-DNA positions 106114 to 106115, 2 bases duplicated (TT; older notation c.106114_106115dupTT).
Protein change: p.Leu35372fs; shifts the reading frame from leucine 35372.
Molecular consequence: frameshift variant.
Genome position (GRCh38, 1-based): chr2:178,530,500-178,530,501, AA duplicated on the plus strand (TT on the coding strand, the reverse complement: TTN is on the minus strand). VCF-style (leftmost placement, unchanged base first): chr2-178530499-T-TAA. GRCh37 (hg19) VCF-style: chr2-179395226-T-TAA.
Other names: c.101191_101192dup, p.Leu33731fs (NM_001256850.1); c.78919_78920dup, p.Leu26307fs (NM_003319.4); c.98410_98411dup, p.Leu32804fs (NM_133378.4); c.79294_79295dup, p.Leu26432fs (NM_133432.3); c.79495_79496dup, p.Leu26499fs (NM_133437.4); c.78919_78920dupTT (NM_003319.4); c.106114_106115dupTT (NM_001267550.2); c.98410_98411dupTT (NM_133378.4); short protein forms L26432fs, L33731fs, L26499fs, L26307fs, L32804fs, L35372fs.
Identifiers: ClinVar variation 651058 (VCV000651058.11), dbSNP rs1394131775, ClinGen allele CA761284672.